The following is an entry in ClinVar:

NM_182961.4(SYNE1):c.5600T>A (p.Leu1867Gln)

Gene: SYNE1 (spectrin repeat containing nuclear envelope protein 1; minus strand). Cytogenetic location: 6q25.2.
Variant type: single nucleotide variant.
Coding change: c.5600T>A on transcript NM_182961.4 (MANE Select); coding-DNA position 5600, T replaced by A.
Protein change: p.Leu1867Gln; replaces leucine 1867 with glutamine.
Molecular consequence: missense variant.
Genome position (GRCh38, 1-based): chr6:152,416,837, A>T on the plus strand (T>A on the coding strand, the complement: SYNE1 is on the minus strand). VCF-style: chr6-152416837-A-T. GRCh37 (hg19) VCF-style: chr6-152737972-A-T.
Other names: c.5621T>A, p.Leu1874Gln (NM_033071.5); short protein forms L1867Q, L1874Q.
Identifiers: ClinVar variation 3748582 (VCV003748582.2).

ClinVar aggregate classification (germline): Uncertain significance (1 of 4 stars; one submission).

Conditions:
Emery-Dreifuss muscular dystrophy 4, autosomal dominant (EDMD4). Also called: EMERY-DREIFUSS MUSCULAR DYSTROPHY 4 WITH VARIABLE FEATURES. Identifiers: Orphanet 261, MedGen C2751807, MONDO:0013071, OMIM 612998.
Autosomal recessive ataxia, Beauce type. Also called: Spinocerebellar ataxia, autosomal recessive 8; ATAXIA, RECESSIVE, OF BEAUCE; SYNE1-Related Autosomal Recessive Cerebellar Ataxia; SYNE1 Deficiency. Identifiers: Orphanet 88644, MedGen C1853116, MONDO:0012549, OMIM 610743.

Submission:

Labcorp Genetics (formerly Invitae), Labcorp
Classification: Uncertain significance for Emery-Dreifuss muscular dystrophy 4, autosomal dominant; Autosomal recessive ataxia, Beauce type. Last evaluated: 2024-06-11. Review status: criteria provided, single submitter. Criteria: Invitae Variant Classification Sherloc (09022015). Collection method: clinical testing. Allele origin: germline.
Comment: This sequence change replaces leucine, which is neutral and non-polar, with glutamine, which is neutral and polar, at codon 1874 of the SYNE1 protein (p.Leu1874Gln). This variant is not present in population databases (gnomAD no frequency). This variant has not been reported in the literature in individuals affected with SYNE1-related conditions. An algorithm developed to predict the effect of missense changes on protein structure and function (PolyPhen-2) suggests that this variant is likely to be disruptive. In summary, the available evidence is currently insufficient to determine the role of this variant in disease. Therefore, it has been classified as a Variant of Uncertain Significance.